The following is an entry in ClinVar:

ClinVar aggregate classification (germline): Uncertain significance. Review status: criteria provided, multiple submitters, no conflicts (2 of 4 stars). 2 submissions from 2 submitters: Uncertain significance (2). Last evaluated 2026-08-01.

Conditions:
Diffuse cerebral and cerebellar atrophy - intractable seizures - progressive microcephaly syndrome. Also called: Microcephaly, progressive, with seizures and cerebral and cerebellar atrophy. Identifiers: Orphanet 404437, MedGen C4014239, MONDO:0014335, OMIM 615760.

Allele frequency attached by ClinVar (database versions not stated): ESP Exome Variant Server 0.00008; gnomAD exomes 0.00001; TOPMed 0.00011; gnomAD 0.00013 and 0.00014; ExAC 0.00003.

Submissions (2):

GeneDx
Classification: Uncertain significance. Last evaluated: 2026-08-01. Review status: criteria provided, single submitter. Criteria: GeneDx Variant Classification Process June 2021. Collection method: clinical testing. Allele origin: germline.
Comment: Has not been previously published as pathogenic or benign to our knowledge; In silico analysis suggests this variant may impact gene splicing. In the absence of RNA/functional studies, the actual effect of this sequence change is unknown.

Labcorp Genetics (formerly Invitae), Labcorp
Classification: Uncertain significance for Diffuse cerebral and cerebellar atrophy - intractable seizures - progressive microcephaly syndrome. Last evaluated: 2025-02-03. Review status: criteria provided, single submitter. Criteria: Invitae Variant Classification Sherloc (09022015). Collection method: clinical testing. Allele origin: germline.
Comment: This sequence change falls in intron 4 of the QARS gene. It does not directly change the encoded amino acid sequence of the QARS protein. It affects a nucleotide within the consensus splice site. This variant is present in population databases (rs370688039, gnomAD 0.04%). This variant has not been reported in the literature in individuals affected with QARS-related conditions. ClinVar contains an entry for this variant (Variation ID: 453160). Variants that disrupt the consensus splice site are a relatively common cause of aberrant splicing (PMID: 17576681, 9536098). Algorithms developed to predict the effect of sequence changes on RNA splicing suggest that this variant may disrupt the consensus splice site. In summary, the available evidence is currently insufficient to determine the role of this variant in disease. Therefore, it has been classified as a Variant of Uncertain Significance.

Literature cited by the submitters: PubMed 17576681 (cited by Labcorp Genetics (formerly Invitae), Labcorp); PubMed 9536098 (cited by Labcorp Genetics (formerly Invitae), Labcorp).

NM_005051.3(QARS1):c.451+4A>C

Gene: QARS1 (glutaminyl-tRNA synthetase 1; minus strand). Cytogenetic location: 3p21.31.
Variant type: single nucleotide variant.
Coding change: c.451+4A>C on transcript NM_005051.3 (MANE Select); 4 bases into the intron after coding-DNA position 451, A replaced by C.
Molecular consequence: intron variant.
Genome position (GRCh38, 1-based): chr3:49,103,627, T>G on the plus strand (A>C on the coding strand, the complement: QARS1 is on the minus strand). VCF-style: chr3-49103627-T-G. GRCh37 (hg19) VCF-style: chr3-49141060-T-G.
Other names: c.418+4A>C (NM_001272073.2).
Identifiers: ClinVar variation 453160 (VCV000453160.9), dbSNP rs370688039, ClinGen allele CA2392171.